The following is an entry in ClinVar:

NM_002834.5(PTPN11):c.811C>T (p.Gln271Ter)

Gene: PTPN11 (protein tyrosine phosphatase non-receptor type 11; plus strand). Cytogenetic location: 12q24.13.
Variant type: single nucleotide variant.
Coding change: c.811C>T on transcript NM_002834.5 (MANE Select); coding-DNA position 811, C replaced by T.
Protein change: p.Gln271Ter; replaces glutamine 271 with a stop codon.
Molecular consequence: nonsense.
Genome position (GRCh38, 1-based): chr12:112,472,998, C>T. VCF-style: chr12-112472998-C-T. GRCh37 (hg19) VCF-style: chr12-112910802-C-T.
Other names: c.811C>T, p.Gln271Ter (NM_001330437.2, NM_080601.3); c.808C>T, p.Gln270Ter (NM_001374625.1); short protein forms Q270*, Q271*.
Identifiers: ClinVar variation 3652837 (VCV003652837.2).

ClinVar aggregate classification (germline): Pathogenic (1 of 4 stars; one submission).

Conditions:
RASopathy. Also called: rasopathies; Noonan spectrum disorder. Identifiers: Orphanet 536391, MedGen C5555857, MONDO:0021060.

Submission:

Labcorp Genetics (formerly Invitae), Labcorp
Classification: Pathogenic for RASopathy. Last evaluated: 2024-05-09. Review status: criteria provided, single submitter. Criteria: Invitae Variant Classification Sherloc (09022015). Collection method: clinical testing. Allele origin: germline.
Comment: This sequence change creates a premature translational stop signal (p.Gln271*) in the PTPN11 gene. It is expected to result in an absent or disrupted protein product. Loss-of-function variants in PTPN11 are known to be pathogenic (PMID: 20577567, 21533187). This variant is not present in population databases (gnomAD no frequency). This variant has not been reported in the literature in individuals affected with PTPN11-related conditions. Algorithms developed to predict the effect of sequence changes on RNA splicing suggest that this variant may disrupt the consensus splice site. For these reasons, this variant has been classified as Pathogenic.

Literature cited by the submitters: PubMed 20577567; PubMed 21533187.